The following is an entry in ClinVar:

NM_032620.4(GTPBP3):c.35C>A (p.Ala12Glu)

Gene: GTPBP3 (GTP binding protein 3, mitochondrial; plus strand). Cytogenetic location: 19p13.11.
Variant type: single nucleotide variant.
Coding change: c.35C>A on transcript NM_032620.4 (MANE Select); coding-DNA position 35, C replaced by A.
Protein change: p.Ala12Glu; replaces alanine 12 with glutamic acid.
Molecular consequence: missense variant. On other transcripts: intron variant (1).
Genome position (GRCh38, 1-based): chr19:17,337,646, C>A. VCF-style: chr19-17337646-C-A. GRCh37 (hg19) VCF-style: chr19-17448455-C-A.
Other names: c.35C>A, p.Ala12Glu (NM_001128855.3, NM_133644.4); c.120-362C>A (NM_001195422.1); short protein forms A12E.
Identifiers: ClinVar variation 1403849 (VCV001403849.6), dbSNP rs200232501, ClinGen allele CA404730512.
Genomic context (GRCh38, chr19:17,337,646, plus strand): 5'-GCAGGCGGGTCGCAGGTTGTAAATCCATGTGGCGGGGGCTTTGGACCCTGGCGGCCCAAG[C>A]GGCACGTGGGCCTCGCAGGTGGGGCTACAGGGGAAGGGGTGCGACAGCTTGGGGTGCTGC-3'
Protein context (NP_116009.2, residues 2-22): WRGLWTLAAQ[Ala12Glu]ARGPRRLCTR

ClinVar aggregate classification (germline): Uncertain significance (1 of 4 stars; one submission).

gnomAD v4.1: 1 of 1,333,710 alleles (0.000075%); highest among the groups gnomAD compares: Non-Finnish European, 0.000096%; no homozygotes.

Submission:

Labcorp Genetics (formerly Invitae), Labcorp
Classification: Uncertain significance. Last evaluated: 2021-08-20. Review status: criteria provided, single submitter. Criteria: Invitae Variant Classification Sherloc (09022015). Collection method: clinical testing. Allele origin: germline.
Comment: Algorithms developed to predict the effect of missense changes on protein structure and function (SIFT, PolyPhen-2, Align-GVGD) all suggest that this variant is likely to be tolerated. This variant has not been reported in the literature in individuals affected with GTPBP3-related conditions. The frequency data for this variant in the population databases is considered unreliable, as metrics indicate insufficient coverage at this position in the ExAC database. This sequence change replaces alanine with glutamic acid at codon 12 of the GTPBP3 protein (p.Ala12Glu). The alanine residue is weakly conserved and there is a moderate physicochemical difference between alanine and glutamic acid. In summary, the available evidence is currently insufficient to determine the role of this variant in disease. Therefore, it has been classified as a Variant of Uncertain Significance.